The following is an entry in ClinVar:

NM_001922.5(DCT):c.308G>C (p.Gly103Ala)

Gene: DCT (dopachrome tautomerase; minus strand). Cytogenetic location: 13q32.1.
Variant type: single nucleotide variant.
Coding change: c.308G>C on transcript NM_001922.5 (MANE Select); coding-DNA position 308, G replaced by C.
Protein change: p.Gly103Ala; replaces glycine 103 with alanine.
Molecular consequence: missense variant. On other transcripts: 5 prime UTR variant (2), intron variant (2).
Genome position (GRCh38, 1-based): chr13:94,469,033, C>G on the plus strand (G>C on the coding strand, the complement: DCT is on the minus strand). VCF-style: chr13-94469033-C-G. GRCh37 (hg19) VCF-style: chr13-95121287-C-G.
Other names: c.308G>C, p.Gly103Ala (NM_001129889.3); c.-626G>C (NM_001322184.2, NM_001322185.2); c.119G>C, p.Gly40Ala (NM_001322186.2); c.-338-2375G>C (NM_001322182.2, NM_001322183.2); short protein forms G103A, G40A.
Identifiers: ClinVar variation 5017710 (VCV005017710.1).

ClinVar aggregate classification (germline): Uncertain significance (1 of 4 stars; one submission).

Submission:

GeneDx
Classification: Uncertain significance. Last evaluated: 2026-03-27. Review status: criteria provided, single submitter. Criteria: GeneDx Variant Classification Process June 2021. Collection method: clinical testing. Allele origin: germline.
Comment: Not observed at significant frequency in large population cohorts (gnomAD); In silico analysis supports that this missense variant has a deleterious effect on protein structure/function; Has not been previously published as pathogenic or benign to our knowledge